The following is an entry in ClinVar:

ClinVar aggregate classification (germline): Pathogenic (1 of 4 stars; one submission).

Conditions:
Multiple sulfatase deficiency (MSD). Also called: Mucosulfatidosis; Multiple Sulfatase Deficiency Disease; Sulfatidosis, Juvenile, Austin Type. Identifiers: Orphanet 585, MedGen C0268263, MONDO:0010088, OMIM 272200.

Submission:

Labcorp Genetics (formerly Invitae), Labcorp
Classification: Pathogenic for Multiple sulfatase deficiency. Last evaluated: 2022-09-13. Review status: criteria provided, single submitter. Criteria: Invitae Variant Classification Sherloc (09022015). Collection method: clinical testing. Allele origin: germline.
Comment: This sequence change creates a premature translational stop signal (p.Cys341*) in the SUMF1 gene. While this is not anticipated to result in nonsense mediated decay, it is expected to disrupt the last 34 amino acid(s) of the SUMF1 protein. This variant is not present in population databases (gnomAD no frequency). This variant has not been reported in the literature in individuals affected with SUMF1-related conditions. Algorithms developed to predict the effect of sequence changes on RNA splicing suggest that this variant may disrupt the consensus splice site. This variant disrupts a region of the SUMF1 protein in which other variant(s) (p.Arg349Trp) have been determined to be pathogenic (PMID: 12757705, 18157819, 24484558, 25373814). This suggests that this is a clinically significant region of the protein, and that variants that disrupt it are likely to be disease-causing. For these reasons, this variant has been classified as Pathogenic.

Literature cited by the submitters: PubMed 12757705; PubMed 18157819; PubMed 24484558; PubMed 25373814.

NM_182760.4(SUMF1):c.1023T>A (p.Cys341Ter)

Gene: SUMF1 (sulfatase modifying factor 1; minus strand). Cytogenetic location: 3p26.1.
Variant type: single nucleotide variant.
Coding change: c.1023T>A on transcript NM_182760.4 (MANE Select); coding-DNA position 1023, T replaced by A.
Protein change: p.Cys341Ter; replaces cysteine 341 with a stop codon.
Molecular consequence: nonsense.
Genome position (GRCh38, 1-based): chr3:4,362,246, A>T on the plus strand (T>A on the coding strand, the complement: SUMF1 is on the minus strand). VCF-style: chr3-4362246-A-T. GRCh37 (hg19) VCF-style: chr3-4403930-A-T.
Other names: c.948T>A, p.Cys316Ter (NM_001164674.2); c.963T>A, p.Cys321Ter (NM_001164675.2); short protein forms C316*, C321*, C341*.
Identifiers: ClinVar variation 2083297 (VCV002083297.1), dbSNP rs2470778411, ClinGen allele CA351626604.
Genomic context (GRCh38, chr3:4,362,246, plus strand): 5'-CAGATTCGAAGCAGAGCTATCAGGTGTGTTCTGGCTCCGAGCAGCACAGCGATACCTGTA[A>T]CAATAAGACTGTGTAGAGAGAAAGAGCAAGGTAAGTGCTACTGGGACTCTCAGCTGAAGG-3'